The following is an entry in ClinVar:

ClinVar aggregate classification (germline): Uncertain significance. Review status: criteria provided, multiple submitters, no conflicts (2 of 4 stars). 2 submissions from 2 submitters: Uncertain significance (2). Last evaluated 2024-04-25.

Conditions:
Cardiomyopathy (CMYO). Also called: Cardiomyopathies. Identifiers: Orphanet 167848, MedGen C0878544, MONDO:0004994, HP:0001638. Inheritance: Various modes of inheritance.
Arrhythmogenic right ventricular dysplasia 5. Also called: Arrhythmogenic Right Ventricular Dysplasia/Cardiomyopathy 5; ARRHYTHMOGENIC RIGHT VENTRICULAR DYSPLASIA, FAMILIAL, 5. Identifiers: MedGen C1858379, MONDO:0011459, OMIM 604400.

Allele frequency attached by ClinVar (database versions not stated): TOPMed below 0.00001.

Submissions (2):

All of Us Research Program, National Institutes of Health
Classification: Uncertain significance for Arrhythmogenic right ventricular dysplasia 5. Last evaluated: 2024-04-25. Review status: criteria provided, single submitter. Criteria: ACMG Guidelines, 2015. Collection method: clinical testing. Allele origin: germline. Inheritance: Autosomal dominant inheritance. Observed: 1 variant allele, 1 heterozygote.
Comment: This missense variant replaces alanine with serine at codon 390 of the TMEM43 protein. Computational prediction suggests that this variant may not impact protein structure and function (internally defined REVEL score threshold <= 0.5, PMID: 27666373). Splice site prediction tools suggest that this variant may not impact RNA splicing. To our knowledge, functional studies have not been performed for this variant. This variant has not been reported in individuals affected with cardiovascular disorders in the literature. This variant has not been identified in the general population by the Genome Aggregation Database (gnomAD). The available evidence is insufficient to determine the role of this variant in disease conclusively. Therefore, this variant is classified as a Variant of Uncertain Significance.

This study involves interpretation of variants in research participants for the purpose of population health screening. Participant phenotype was not available at the time of variant classification. Additional details can be found in publication PMID: 35346344, PMCID: PMC8962531

Color Diagnostics, LLC DBA Color Health
Classification: Uncertain significance for Cardiomyopathy. Last evaluated: 2024-03-07. Review status: criteria provided, single submitter. Criteria: ACMG Guidelines, 2015. Collection method: clinical testing. Allele origin: germline.
Comment: This missense variant replaces alanine with serine at codon 390 of the TMEM43 protein. Computational prediction suggests that this variant may not impact protein structure and function (internally defined REVEL score threshold <= 0.5, PMID: 27666373). Splice site prediction tools suggest that this variant may not impact RNA splicing. To our knowledge, functional studies have not been performed for this variant. This variant has not been reported in individuals affected with cardiovascular disorders in the literature. This variant has not been identified in the general population by the Genome Aggregation Database (gnomAD). The available evidence is insufficient to determine the role of this variant in disease conclusively. Therefore, this variant is classified as a Variant of Uncertain Significance.

NM_024334.3(TMEM43):c.1168G>T (p.Ala390Ser)

Gene: TMEM43 (transmembrane protein 43; plus strand). Cytogenetic location: 3p25.1.
Variant type: single nucleotide variant.
Coding change: c.1168G>T on transcript NM_024334.3 (MANE Select); coding-DNA position 1168, G replaced by T.
Protein change: p.Ala390Ser; replaces alanine 390 with serine.
Molecular consequence: missense variant.
Genome position (GRCh38, 1-based): chr3:14,141,760, G>T. VCF-style: chr3-14141760-G-T. GRCh37 (hg19) VCF-style: chr3-14183260-G-T.
Other names: short protein forms A390S.
Identifiers: ClinVar variation 919451 (VCV000919451.5), dbSNP rs1695251084, ClinGen allele CA351536663.